The following is an entry in ClinVar:

NM_001376.5(DYNC1H1):c.6824G>A (p.Trp2275Ter)

Gene: DYNC1H1 (dynein cytoplasmic 1 heavy chain 1; plus strand). Cytogenetic location: 14q32.31.
Variant type: single nucleotide variant.
Coding change: c.6824G>A on transcript NM_001376.5 (MANE Select); coding-DNA position 6824, G replaced by A.
Protein change: p.Trp2275Ter; replaces tryptophan 2275 with a stop codon.
Molecular consequence: nonsense.
Genome position (GRCh38, 1-based): chr14:102,012,080, G>A. VCF-style: chr14-102012080-G-A. GRCh37 (hg19) VCF-style: chr14-102478417-G-A.
Other names: short protein forms W2275*.
Identifiers: ClinVar variation 3347466 (VCV003347466.1).
Genomic context (GRCh38, chr14:102,012,080, plus strand): 5'-ACCCCAAGGCCATCAGCAAAGACCACCTCTACGGAACCCTGGACCCCAACACCAGGGAAT[G>A]GACAGATGGGCTCTTCACACACGTGCTGAGAAAGTACGTCTTCTTTGATCTGTGTTTGTG-3'

ClinVar aggregate classification (germline): Likely pathogenic (0 of 4 stars; one submission).

Conditions:
DYNC1H1-related disorder. Also called: DYNC1H1-related condition; DYNC1H1-related disorders. Identifiers: MedGen CN381529.

Submission:

PreventionGenetics, part of Exact Sciences
Classification: Likely pathogenic for DYNC1H1-related condition. Last evaluated: 2024-09-12. Review status: no assertion criteria provided. Collection method: clinical testing. Allele origin: germline.
Comment: The DYNC1H1 c.6824G>A variant is predicted to result in premature protein termination (p.Trp2275*). To our knowledge, this variant has not been reported in the literature or in a large population database, indicating this variant is rare. Nonsense variants in DYNC1H1 are expected to be pathogenic. This variant is interpreted as likely pathogenic.